The following is an entry in ClinVar:

ClinVar aggregate classification (germline): Uncertain significance (1 of 4 stars; one submission).

Conditions:
Inborn genetic diseases. Identifiers: MedGen C0950123, MeSH D030342.

Submission:

Ambry Genetics
Classification: Uncertain significance for Inborn genetic diseases. Last evaluated: 2026-04-20. Review status: criteria provided, single submitter. Criteria: Ambry Variant Classification Scheme 2023. Collection method: clinical testing. Allele origin: germline.
Comment: The p.D281N variant (also known as c.841G>A), located in coding exon 3 of the SH2B3 gene, results from a G to A substitution at nucleotide position 841. The aspartic acid at codon 281 is replaced by asparagine, an amino acid with highly similar properties. This amino acid position is conserved. In addition, this alteration is predicted to be tolerated by in silico analysis. Based on the available evidence, the clinical significance of this variant remains unclear.

NM_005475.3(SH2B3):c.841G>A (p.Asp281Asn)

Gene: SH2B3 (SH2B adaptor protein 3; plus strand). Cytogenetic location: 12q24.12.
Variant type: single nucleotide variant.
Coding change: c.841G>A on transcript NM_005475.3 (MANE Select); coding-DNA position 841, G replaced by A.
Protein change: p.Asp281Asn; replaces aspartic acid 281 with asparagine.
Molecular consequence: missense variant.
Genome position (GRCh38, 1-based): chr12:111,446,948, G>A. VCF-style: chr12-111446948-G-A. GRCh37 (hg19) VCF-style: chr12-111884752-G-A.
Other names: c.235G>A, p.Asp79Asn (NM_001291424.1); short protein forms D281N, D79N.
Identifiers: ClinVar variation 4864425 (VCV004864425.1).